The following is an entry in ClinVar:

NM_001160148.2(DDHD1):c.1709G>A (p.Arg570Gln)

Gene: DDHD1 (DDHD domain containing 1; minus strand). Cytogenetic location: 14q22.1.
Variant type: single nucleotide variant.
Coding change: c.1709G>A on transcript NM_001160148.2 (MANE Select); coding-DNA position 1709, G replaced by A.
Protein change: p.Arg570Gln; replaces arginine 570 with glutamine.
Molecular consequence: missense variant.
Genome position (GRCh38, 1-based): chr14:53,063,000, C>T on the plus strand (G>A on the coding strand, the complement: DDHD1 is on the minus strand). VCF-style: chr14-53063000-C-T. GRCh37 (hg19) VCF-style: chr14-53529718-C-T.
Other names: c.1730G>A, p.Arg577Gln (NM_001160147.2); c.1709G>A, p.Arg570Gln (NM_030637.3); c.1709G>A (NM_001160148.1); short protein forms R570Q, R577Q.
Identifiers: ClinVar variation 238599 (VCV000238599.13), dbSNP rs114715404, ClinGen allele CA7191176.

ClinVar aggregate classification (germline): Uncertain significance. Review status: criteria provided, multiple submitters, no conflicts (2 of 4 stars). 3 submissions from 3 submitters: Uncertain significance (3). Last evaluated 2025-08-21.

Conditions:
Inborn genetic diseases. Identifiers: MedGen C0950123, MeSH D030342.
Hereditary spastic paraplegia 28. Also called: Spastic paraplegia 28, autosomal recessive. Identifiers: Orphanet 101008, MedGen C1836295, MONDO:0012256, OMIM 609340.

Allele frequency attached by ClinVar (database versions not stated): TOPMed 0.00025; ESP Exome Variant Server 0.00046; 1000 Genomes Project 30x 0.00062; 1000 Genomes Project 0.00080.
gnomAD v4.1: 113 of 1,611,640 alleles (0.007%); highest among the groups gnomAD compares: African/African-American, 0.08%; no homozygotes.

Submissions (3):

Ambry Genetics
Classification: Uncertain significance for Inborn genetic diseases. Last evaluated: 2025-08-21. Review status: criteria provided, single submitter. Criteria: Ambry Variant Classification Scheme 2023. Collection method: clinical testing. Allele origin: germline.

Labcorp Genetics (formerly Invitae), Labcorp
Classification: Uncertain significance for Hereditary spastic paraplegia 28. Last evaluated: 2024-05-22. Review status: criteria provided, single submitter. Criteria: Invitae Variant Classification Sherloc (09022015). Collection method: clinical testing. Allele origin: germline.
Comment: This sequence change replaces arginine, which is basic and polar, with glutamine, which is neutral and polar, at codon 577 of the DDHD1 protein (p.Arg577Gln). This variant is present in population databases (rs114715404, gnomAD 0.1%). This variant has not been reported in the literature in individuals affected with DDHD1-related conditions. ClinVar contains an entry for this variant (Variation ID: 238599). Advanced modeling of protein sequence and biophysical properties (such as structural, functional, and spatial information, amino acid conservation, physicochemical variation, residue mobility, and thermodynamic stability) performed at Invitae indicates that this missense variant is not expected to disrupt DDHD1 protein function with a negative predictive value of 80%. In summary, the available evidence is currently insufficient to determine the role of this variant in disease. Therefore, it has been classified as a Variant of Uncertain Significance.

Eurofins Ntd Llc (ga)
Classification: Uncertain significance. Last evaluated: 2018-01-07. Review status: criteria provided, single submitter. Criteria: EGL Classification Definitions 2015. Collection method: clinical testing. Allele origin: germline. Observed: 1 variant allele, 1 heterozygote.